The following is an entry in ClinVar:

NM_177438.3(DICER1):c.*782C>T

Gene: DICER1 (dicer 1, ribonuclease III; minus strand). Cytogenetic location: 14q32.13.
Variant type: single nucleotide variant.
Coding change: c.*782C>T on transcript NM_177438.3 (MANE Select); 782 bases downstream of the stop codon, C replaced by T.
Molecular consequence: 3 prime UTR variant.
Genome position (GRCh38, 1-based): chr14:95,089,716, G>A on the plus strand (C>T on the coding strand, the complement: DICER1 is on the minus strand). VCF-style: chr14-95089716-G-A. GRCh37 (hg19) VCF-style: chr14-95556053-G-A.
Other names: c.*898C>T (NM_001195573.1); c.*782C>T (NM_001271282.3, NM_001291628.2, NM_030621.4).
Identifiers: ClinVar variation 886862 (VCV000886862.5), dbSNP rs563551631, ClinGen allele CA265894101.

ClinVar aggregate classification (germline): Benign (1 of 4 stars; one submission).

Conditions:
DICER1-related tumor predisposition. Also called: DICER1 syndrome; DICER1-related pleuropulmonary blastoma cancer predisposition syndrome. Identifiers: Orphanet 284343, MedGen C3839822, MONDO:0100216.

Allele frequency attached by ClinVar (database versions not stated): gnomAD exomes 0.00011; gnomAD 0.00021 and 0.00024; TOPMed 0.00033; 1000 Genomes Project 0.00040; 1000 Genomes Project 30x 0.00047.
gnomAD v4.1: 44 of 232,064 alleles (0.019%); highest among the groups gnomAD compares: Admixed American, 0.096%; 1 homozygote.

Submission:

Illumina Laboratory Services, Illumina
Classification: Benign for Pleuropulmonary blastoma. Last evaluated: 2018-01-12. Review status: criteria provided, single submitter. Criteria: ICSL Variant Classification Criteria 13 December 2019. Collection method: clinical testing. Allele origin: germline.
Comment: This variant was observed in the ICSL laboratory as part of a predisposition screen in an ostensibly healthy population. It had not been previously curated by ICSL or reported in the Human Gene Mutation Database (HGMD: prior to June 1st, 2018), and was therefore a candidate for classification through an automated scoring system. Utilizing variant allele frequency, disease prevalence and penetrance estimates, and inheritance mode, an automated score was calculated to assess if this variant is too frequent to cause the disease. Based on the score and internal cut-off values, a variant classified as benign is not then subjected to further curation. The score for this variant resulted in a classification of benign for this disease.